The following is an entry in ClinVar:

NM_001375524.1(TRRAP):c.11338-5C>T

Gene: TRRAP (transformation/transcription domain associated protein; plus strand). Cytogenetic location: 7q22.1.
Variant type: single nucleotide variant.
Coding change: c.11338-5C>T on transcript NM_001375524.1 (MANE Select); 5 bases into the intron before coding-DNA position 11338, C replaced by T.
Molecular consequence: intron variant.
Genome position (GRCh38, 1-based): chr7:99,012,066, C>T. VCF-style: chr7-99012066-C-T. GRCh37 (hg19) VCF-style: chr7-98609689-C-T.
Other names: c.11209-5C>T (NM_003496.3, NM_003496.4); c.11296-5C>T (NM_001244580.2).
Identifiers: ClinVar variation 3183523 (VCV003183523.3), dbSNP rs763651756, ClinGen allele CA4362160.

ClinVar aggregate classification (germline): Likely benign. Review status: criteria provided, multiple submitters, no conflicts (2 of 4 stars). 3 submissions from 3 submitters: Likely benign (2). 1 of the submissions does not count toward it. Last evaluated 2025-07-28.

Conditions:
Inborn genetic diseases. Identifiers: MedGen C0950123, MeSH D030342.
TRRAP-related disorder. Also called: TRRAP-related condition.

Allele frequency attached by ClinVar (database versions not stated): ExAC 0.00005; gnomAD exomes 0.00004; TOPMed 0.00002; gnomAD 0.00003.
gnomAD v4.1: 58 of 1,612,356 alleles (0.0036%); highest among the groups gnomAD compares: South Asian, 0.042%; 1 homozygote.

Submissions (3):

Labcorp Genetics (formerly Invitae), Labcorp
Classification: Likely benign. Last evaluated: 2025-07-28. Review status: criteria provided, single submitter. Criteria: Invitae Variant Classification Sherloc (09022015). Collection method: clinical testing. Allele origin: germline.

Ambry Genetics
Classification: Likely benign for Inborn genetic diseases. Last evaluated: 2023-11-07. Review status: criteria provided, single submitter. Criteria: Ambry Variant Classification Scheme 2023. Collection method: clinical testing. Allele origin: germline.

PreventionGenetics, part of Exact Sciences
Classification: Likely benign for TRRAP-related condition. Last evaluated: 2024-08-06. Review status: no assertion criteria provided. Collection method: clinical testing. Allele origin: germline. Not counted in ClinVar's aggregate classification.
Comment: This variant is classified as likely benign based on ACMG/AMP sequence variant interpretation guidelines (Richards et al. 2015 PMID: 25741868, with internal and published modifications).